The following is an entry in ClinVar:

ClinVar aggregate classification (germline): Uncertain significance. Review status: criteria provided, multiple submitters, no conflicts (2 of 4 stars). 2 submissions from 2 submitters: Uncertain significance (2). Last evaluated 2026-01-11.

Conditions:
Epidermolysis bullosa simplex 5C, with pyloric atresia (EBS5C). Also called: PLEC-Related Epidermolysis Bullosa with Pyloric Atresia; Epidermolysis bullosa simplex with pyloric atresia; PLEC1-Related Epidermolysis Bullosa with Pyloric Atresia. Identifiers: Orphanet 158684, MedGen C2677349, MONDO:0012807, OMIM 612138.
Epidermolysis bullosa simplex 5B, with muscular dystrophy (EBS5B). Also called: Epidermolysis bullosa simplex with muscular dystrophy; EPIDERMOLYSIS BULLOSA SIMPLEX AND LIMB-GIRDLE MUSCULAR DYSTROPHY. Identifiers: Orphanet 257, MedGen C2931072, MONDO:0009181, OMIM 226670.
Epidermolysis bullosa simplex, Ogna type (EBS5A). Also called: Pidermolysis bullosa simplex 5A, Ogna type; EPIDERMOLYSIS BULLOSA SIMPLEX 5A, OGNA TYPE. Identifiers: Orphanet 79401, MedGen C0432317, MONDO:0007555, OMIM 131950.
Autosomal recessive limb-girdle muscular dystrophy type 2Q (LGMDR17). Also called: MUSCULAR DYSTROPHY, LIMB-GIRDLE, AUTOSOMAL RECESSIVE 17. Identifiers: Orphanet 254361, MedGen C3150989, MONDO:0013390, OMIM 613723.
Epidermolysis bullosa simplex with nail dystrophy (EBS5D). Identifiers: MedGen C4225309, MONDO:0014661, OMIM 616487.

Allele frequency attached by ClinVar (database versions not stated): ExAC below 0.00001; gnomAD exomes 0.00001 and 0.00002; TOPMed 0.00002.
gnomAD v4.1: 31 of 1,586,694 alleles (0.002%); highest among the groups gnomAD compares: Non-Finnish European, 0.0024%; no homozygotes.

Submissions (2):

Labcorp Genetics (formerly Invitae), Labcorp
Classification: Uncertain significance for Autosomal recessive limb-girdle muscular dystrophy type 2Q; Epidermolysis bullosa simplex, Ogna type; Epidermolysis bullosa simplex with nail dystrophy; Epidermolysis bullosa simplex 5C, with pyloric atresia; Epidermolysis bullosa simplex 5B, with muscular dystrophy. Last evaluated: 2026-01-11. Review status: criteria provided, single submitter. Criteria: Invitae Variant Classification Sherloc (09022015). Collection method: clinical testing. Allele origin: germline.
Comment: This sequence change replaces arginine, which is basic and polar, with cysteine, which is neutral and slightly polar, at codon 1214 of the PLEC protein (p.Arg1214Cys). The frequency data for this variant in the population databases is considered unreliable, as metrics indicate poor data quality at this position in the gnomAD database. This variant has not been reported in the literature in individuals affected with PLEC-related conditions. ClinVar contains an entry for this variant (Variation ID: 953230). Invitae Evidence Modeling of protein sequence and biophysical properties (such as structural, functional, and spatial information, amino acid conservation, physicochemical variation, residue mobility, and thermodynamic stability) has been performed for this missense variant. However, the output from this modeling did not meet the statistical confidence thresholds required to predict the impact of this variant on PLEC protein function. In summary, the available evidence is currently insufficient to determine the role of this variant in disease. Therefore, it has been classified as a Variant of Uncertain Significance.

GeneDx
Classification: Uncertain significance. Last evaluated: 2024-09-13. Review status: criteria provided, single submitter. Criteria: GeneDx Variant Classification Process June 2021. Collection method: clinical testing. Allele origin: germline. Affected: yes.
Comment: Has not been previously published as pathogenic or benign to our knowledge; Not observed at significant frequency in large population cohorts (gnomAD); In silico analysis supports that this missense variant has a deleterious effect on protein structure/function; Missense variant in a gene in which most reported pathogenic variants are truncating/loss of function

NM_201384.3(PLEC):c.3559C>T (p.Arg1187Cys)

Gene: PLEC (plectin; minus strand). Cytogenetic location: 8q24.3.
Variant type: single nucleotide variant.
Coding change: c.3559C>T on transcript NM_201384.3 (MANE Select); coding-DNA position 3559, C replaced by T.
Protein change: p.Arg1187Cys; replaces arginine 1187 with cysteine.
Molecular consequence: missense variant.
Genome position (GRCh38, 1-based): chr8:143,927,607, G>A on the plus strand (C>T on the coding strand, the complement: PLEC is on the minus strand). VCF-style: chr8-143927607-G-A. GRCh37 (hg19) VCF-style: chr8-145001775-G-A.
Other names: c.3640C>T, p.Arg1214Cys (NM_000445.5); c.3517C>T, p.Arg1173Cys (NM_201378.4); c.3493C>T, p.Arg1165Cys (NM_201379.3); c.3970C>T, p.Arg1324Cys (NM_201380.4); c.3463C>T, p.Arg1155Cys (NM_201381.3); c.3559C>T, p.Arg1187Cys (NM_201382.4); c.3571C>T, p.Arg1191Cys (NM_201383.3); c.3640C>T (NM_000445.3); short protein forms R1187C, R1155C, R1173C, R1191C, R1324C, R1165C, R1214C.
Identifiers: ClinVar variation 953230 (VCV000953230.8), dbSNP rs782050586, ClinGen allele CA4927024.
Genomic context (GRCh38, chr8:143,927,607, plus strand): 5'-GGCCCAGTTGCTCGAGCTCGCGCTGCCGCACGTCGGTCTGGGCCAGCACAGCCTGCCAGC[G>A]CTCAAGCAACTGGGCGACCCGCTCCCGCCAGCGCTCCACCTCCACGTCCCGCTCCCCGTG-3'
Protein context (NP_958786.1, residues 1177-1197): WRERVAQLLE[Arg1187Cys]WQAVLAQTDV